The following is an entry in ClinVar:

NM_138694.4(PKHD1):c.2279+6G>A

Gene: PKHD1 (PKHD1 ciliary IPT domain containing fibrocystin/polyductin; minus strand). Cytogenetic location: 6p12.2.
Variant type: single nucleotide variant.
Coding change: c.2279+6G>A on transcript NM_138694.4 (MANE Select); 6 bases into the intron after coding-DNA position 2279, G replaced by A.
Molecular consequence: intron variant.
Genome position (GRCh38, 1-based): chr6:52,050,151, C>T on the plus strand (G>A on the coding strand, the complement: PKHD1 is on the minus strand). VCF-style: chr6-52050151-C-T. GRCh37 (hg19) VCF-style: chr6-51914949-C-T.
Other names: c.2279+6G>A (NM_170724.3).
Identifiers: ClinVar variation 3033257 (VCV003033257.2), dbSNP rs2533208795, ClinGen allele CA2679084006.

ClinVar aggregate classification (germline): Likely benign (0 of 4 stars; one submission).

Conditions:
PKHD1-related disorder. Also called: PKHD1-related condition.

Allele frequency attached by ClinVar (database versions not stated): gnomAD exomes below 0.00001.
gnomAD v4.1: 1 of 1,613,874 alleles (0.000062%); no homozygotes.

Submission:

PreventionGenetics, part of Exact Sciences
Classification: Likely benign for PKHD1-related condition. Last evaluated: 2022-11-14. Review status: no assertion criteria provided. Collection method: clinical testing. Allele origin: germline.
Comment: This variant is classified as likely benign based on ACMG/AMP sequence variant interpretation guidelines (Richards et al. 2015 PMID: 25741868, with internal and published modifications).